The following is an entry in ClinVar:

NM_017775.3(TTC19):c.-169C>G

Genes: TTC19 (tetratricopeptide repeat domain 19; plus strand), ZSWIM7 (zinc finger SWIM-type containing 7; minus strand). Cytogenetic location: 17p12.
Variant type: single nucleotide variant.
Coding change: c.-169C>G on transcript NM_017775.3; 169 bases upstream of the start codon, C replaced by G.
Molecular consequence: 5 prime UTR variant (on NM_001042697.2).
Genome position (GRCh38, 1-based): chr17:15,999,680, C>G. VCF-style: chr17-15999680-C-G. GRCh37 (hg19) VCF-style: chr17-15902994-C-G.
Other names: p.P65P:CCC>CCG; c.-86G>C (NM_001042697.2, NM_001042698.2).
Identifiers: ClinVar variation 137770 (VCV000137770.11), dbSNP rs73276077, ClinGen allele CA302702.

ClinVar aggregate classification (germline): Benign/Likely benign. Review status: criteria provided, multiple submitters, no conflicts (2 of 4 stars). 3 submissions from 3 submitters: Benign (2); Likely benign (1). Last evaluated 2015-02-12.

Allele frequency attached by ClinVar (database versions not stated): 1000 Genomes Project 30x 0.04372; ESP Exome Variant Server 0.02674; TOPMed 0.03538; 1000 Genomes Project 0.04054.
gnomAD v4.1: 9,754 of 1,557,882 alleles (0.63%); highest among the groups gnomAD compares: African/African-American, 11%; 491 homozygotes.

Submissions (3):

Eurofins Ntd Llc (ga)
Classification: Benign. Last evaluated: 2015-02-12. Review status: criteria provided, single submitter. Criteria: EGL Classification Definitions 2015. Collection method: clinical testing. Allele origin: germline. Observed: 1 variant allele, 1 heterozygote.

GeneDx
Classification: Benign. Last evaluated: 2012-04-03. Review status: criteria provided, single submitter. Criteria: GeneDx Variant Classification (06012015). Collection method: clinical testing. Allele origin: germline. Affected: yes.
Comment: This variant is considered likely benign or benign based on one or more of the following criteria: it is a conservative change, it occurs at a poorly conserved position in the protein, it is predicted to be benign by multiple in silico algorithms, and/or has population frequency not consistent with disease.

Breakthrough Genomics
Classification: Likely benign. Review status: criteria provided, single submitter. Criteria: ACMG Guidelines, 2015. Collection method: not provided. Allele origin: germline. Inheritance: Autosomal recessive inheritance. Affected: yes.